The following is an entry in ClinVar:

NM_002047.4(GARS1):c.270C>T (p.Asp90=)

Gene: GARS1 (glycyl-tRNA synthetase 1; plus strand). Cytogenetic location: 7p14.3.
Variant type: single nucleotide variant.
Coding change: c.270C>T on transcript NM_002047.4 (MANE Select); coding-DNA position 270, C replaced by T.
Protein change: p.Asp90=; no amino-acid change (aspartic acid 90 retained).
Molecular consequence: synonymous variant.
Genome position (GRCh38, 1-based): chr7:30,598,843, C>T. VCF-style: chr7-30598843-C-T. GRCh37 (hg19) VCF-style: chr7-30638459-C-T.
Other names: c.108C>T, p.Asp36= (NM_001316772.1); c.270C>T (LRG_243t1).
Identifiers: ClinVar variation 360002 (VCV000360002.33), dbSNP rs369898799, ClinGen allele CA4205635.
Genomic context (GRCh38, chr7:30,598,843, plus strand): 5'-CTTTCTTGGCTAGGGAGATCTTGTGCGAAAACTCAAAGAAGATAAAGCACCCCAAGTAGA[C>T]GTAGACAAAGCAGTGGCTGAGCTCAAAGCCCGCAAGAGGGTTCTGGAAGCAAAGGTGAGT-3'
Protein context (NP_002038.2, residues 80-100): KLKEDKAPQV[Asp90=]VDKAVAELKA

ClinVar aggregate classification (germline): Benign/Likely benign. Review status: criteria provided, multiple submitters, no conflicts (2 of 4 stars). 10 submissions from 8 submitters: Benign (3); Likely benign (7). Last evaluated 2025-11-17.

Conditions:
Distal spinal muscular atrophy. Also called: Distal hereditary motor neuronopathy; Distal hereditary motor neuropathy. Identifiers: Orphanet 53739, MedGen C0393541, MONDO:0018894.
Charcot-Marie-Tooth disease type 2D (CMT2D). Also called: CHARCOT-MARIE-TOOTH DISEASE, AXONAL, TYPE 2D; GARS1 Adolescent- or Early Adult-Onset Hereditary Motor/Sensory Neuropathy (GARS1-HMSN); Charcot-Marie-Tooth Neuropathy Type 2D; CHARCOT-MARIE-TOOTH DISEASE, NEURONAL, TYPE 2D. Identifiers: Orphanet 99938, MedGen C1832274, MONDO:0011091, OMIM 601472.
Charcot-Marie-Tooth disease type 2. Also called: Charcot-Marie-Tooth type 2. Identifiers: Orphanet 64746, MedGen C0270914, MONDO:0018993.
Neuronopathy, distal hereditary motor, type 5A (HMND5). Also called: DHMN VA; NEURONOPATHY, DISTAL HEREDITARY MOTOR, AUTOSOMAL DOMINANT 5; Distal Spinal Muscular Atrophy V; Distal Spinal Muscular Atrophy V (dSMA-V). Identifiers: Orphanet 139536, MedGen CN031873, MONDO:0015353, OMIM 600794.
Charcot-Marie-Tooth disease. Also called: Charcot-Marie-Tooth Neuropathy; Charcot-Marie-Tooth Hereditary Neuropathy. Identifiers: Orphanet 166, MedGen C0007959, MONDO:0015626.

Allele frequency attached by ClinVar (database versions not stated): gnomAD 0.00009 and 0.00015; TOPMed 0.00014; 1000 Genomes Project 30x 0.00016; ESP Exome Variant Server 0.00017; gnomAD exomes 0.00017 and 0.00024; 1000 Genomes Project 0.00020; ExAC 0.00022.
gnomAD v4.1: 291 of 1,614,112 alleles (0.018%); highest among the groups gnomAD compares: Middle Eastern, 0.26%; 1 homozygote.

Submissions (10):

Labcorp Genetics (formerly Invitae), Labcorp
Classification: Likely benign for Charcot-Marie-Tooth disease type 2. Last evaluated: 2025-11-17. Review status: criteria provided, single submitter. Criteria: Invitae Variant Classification Sherloc (09022015). Collection method: clinical testing. Allele origin: germline.

CeGaT Center for Human Genetics Tuebingen
Classification: Likely benign. Last evaluated: 2024-12-01. Review status: criteria provided, single submitter. Criteria: CeGaT Center For Human Genetics Tuebingen Variant Classification Criteria Version 2. Collection method: clinical testing. Allele origin: germline. Affected: yes. Observed: 1 variant allele.
Comment: GARS1: BP4, BP7

GeneDx
Classification: Likely benign. Last evaluated: 2020-08-25. Review status: criteria provided, single submitter. Criteria: GeneDx Variant Classification Process June 2021. Collection method: clinical testing. Allele origin: germline. Affected: yes.

Ambry Genetics
Classification: Likely benign. Last evaluated: 2019-07-11. Review status: criteria provided, single submitter. Criteria: Ambry Variant Classification Scheme 2023. Collection method: clinical testing. Allele origin: germline.

Illumina Laboratory Services, Illumina
Classification: Benign for Distal Spinal Muscular Atrophy. Last evaluated: 2018-01-13. Review status: criteria provided, single submitter. Criteria: ICSL Variant Classification Criteria 13 December 2019. Collection method: clinical testing. Allele origin: germline.
Comment: This variant was observed in the ICSL laboratory as part of a predisposition screen in an ostensibly healthy population. It had not been previously curated by ICSL or reported in the Human Gene Mutation Database (HGMD: prior to June 1st, 2018), and was therefore a candidate for classification through an automated scoring system. Utilizing variant allele frequency, disease prevalence and penetrance estimates, and inheritance mode, an automated score was calculated to assess if this variant is too frequent to cause the disease. Based on the score and internal cut-off values, a variant classified as benign is not then subjected to further curation. The score for this variant resulted in a classification of benign for this disease.

Illumina Laboratory Services, Illumina
Classification: Likely benign for Charcot-Marie-Tooth disease type 2D. Last evaluated: 2018-01-13. Review status: criteria provided, single submitter. Criteria: ICSL Variant Classification Criteria 13 December 2019. Collection method: clinical testing. Allele origin: germline.
Comment: This variant was observed in the ICSL laboratory as part of a predisposition screen in an ostensibly healthy population. It had not been previously curated by ICSL or reported in the Human Gene Mutation Database (HGMD: prior to June 1st, 2018), and was therefore a candidate for classification through an automated scoring system. Utilizing variant allele frequency, disease prevalence and penetrance estimates, and inheritance mode, an automated score was calculated to assess if this variant is too frequent to cause the disease. Based on the score and internal cut-off values, a variant classified as likely benign is not then subjected to further curation. The score for this variant resulted in a classification of likely benign for this disease.

Illumina Laboratory Services, Illumina
Classification: Benign for Distal hereditary motor neuronopathy type 5. Last evaluated: 2018-01-13. Review status: criteria provided, single submitter. Criteria: ICSL Variant Classification Criteria 13 December 2019. Collection method: clinical testing. Allele origin: germline.
Comment: the same text as in the submission from Illumina Laboratory Services, Illumina above.

Athena Diagnostics
Classification: Benign. Last evaluated: 2017-03-28. Review status: criteria provided, single submitter. Criteria: Athena Diagnostics Criteria. Collection method: clinical testing. Allele origin: germline.

Breakthrough Genomics
Classification: Likely benign. Review status: criteria provided, single submitter. Criteria: ACMG Guidelines, 2015. Collection method: not provided. Allele origin: germline. Inheritance: Autosomal dominant inheritance. Affected: yes.

Molecular Genetics Laboratory, London Health Sciences Centre
Classification: Likely benign for Charcot-Marie-Tooth disease. Review status: criteria provided, single submitter. Criteria: ACMG Guidelines, 2015. Collection method: clinical testing. Allele origin: germline. Affected: yes.